The following is an entry in ClinVar:

NM_206933.4(USH2A):c.5572G>C (p.Gly1858Arg)

Genes: USH2A (usherin; minus strand), USH2A-AS2 (USH2A antisense RNA 2; plus strand). Cytogenetic location: 1q41.
Variant type: single nucleotide variant.
Coding change: c.5572G>C on transcript NM_206933.4 (MANE Select); coding-DNA position 5572, G replaced by C.
Protein change: p.Gly1858Arg; replaces glycine 1858 with arginine.
Molecular consequence: missense variant.
Genome position (GRCh38, 1-based): chr1:216,078,089, C>G on the plus strand (G>C on the coding strand, the complement: USH2A is on the minus strand). VCF-style: chr1-216078089-C-G. GRCh37 (hg19) VCF-style: chr1-216251431-C-G.
Other names: short protein forms G1858R.
Identifiers: ClinVar variation 1913820 (VCV001913820.6), dbSNP rs2031812837, ClinGen allele CA344855533.

ClinVar aggregate classification (germline): Uncertain significance. Review status: criteria provided, multiple submitters, no conflicts (2 of 4 stars). 2 submissions from 2 submitters: Uncertain significance (2). Last evaluated 2024-10-22.

Allele frequency attached by ClinVar (database versions not stated): gnomAD exomes below 0.00001.
gnomAD v4.1: 2 of 1,613,524 alleles (0.00012%); highest among the groups gnomAD compares: Non-Finnish European, 0.00017%; no homozygotes.

Submissions (2):

Blueprint Genetics
Classification: Uncertain significance. Last evaluated: 2024-10-22. Review status: criteria provided, single submitter. Criteria: ACMG Guidelines, 2015. Collection method: clinical testing. Allele origin: germline.

Labcorp Genetics (formerly Invitae), Labcorp
Classification: Uncertain significance. Last evaluated: 2024-03-04. Review status: criteria provided, single submitter. Criteria: Invitae Variant Classification Sherloc (09022015). Collection method: clinical testing. Allele origin: germline.
Comment: This sequence change replaces glycine, which is neutral and non-polar, with arginine, which is basic and polar, at codon 1858 of the USH2A protein (p.Gly1858Arg). This variant also falls at the last nucleotide of exon 27, which is part of the consensus splice site for this exon. This variant is not present in population databases (gnomAD no frequency). This variant has not been reported in the literature in individuals affected with USH2A-related conditions. ClinVar contains an entry for this variant (Variation ID: 1913820). An algorithm developed to predict the effect of missense changes on protein structure and function (PolyPhen-2) suggests that this variant is likely to be disruptive. Variants that disrupt the consensus splice site are a relatively common cause of aberrant splicing (PMID: 17576681, 9536098). In summary, the available evidence is currently insufficient to determine the role of this variant in disease. Therefore, it has been classified as a Variant of Uncertain Significance.

Literature cited by the submitters: PubMed 17576681 (cited by Labcorp Genetics (formerly Invitae), Labcorp); PubMed 9536098 (cited by Labcorp Genetics (formerly Invitae), Labcorp).